The following is an entry in ClinVar:

NM_001370259.2(MEN1):c.283G>A (p.Ala95Thr)

Gene: MEN1 (menin 1; minus strand). Cytogenetic location: 11q13.1.
Variant type: single nucleotide variant.
Coding change: c.283G>A on transcript NM_001370259.2 (MANE Select); coding-DNA position 283, G replaced by A.
Protein change: p.Ala95Thr; replaces alanine 95 with threonine.
Molecular consequence: missense variant.
Genome position (GRCh38, 1-based): chr11:64,809,827, C>T on the plus strand (G>A on the coding strand, the complement: MEN1 is on the minus strand). VCF-style: chr11-64809827-C-T. GRCh37 (hg19) VCF-style: chr11-64577299-C-T.
Other names: c.283G>A, p.Ala95Thr (NM_000244.4, NM_001370251.2, NM_001370260.2 and 20 more transcripts); short protein forms A95T.
Identifiers: ClinVar variation 1796700 (VCV001796700.7), dbSNP rs1592658740, ClinGen allele CA381187488.

ClinVar aggregate classification (germline): Uncertain significance. Review status: criteria provided, multiple submitters, no conflicts (2 of 4 stars). 2 submissions from 2 submitters: Uncertain significance (2). Last evaluated 2026-01-10.

Conditions:
Hereditary cancer-predisposing syndrome. Also called: Neoplastic Syndromes, Hereditary; Tumor predisposition; Hereditary neoplastic syndrome; Hereditary Cancer Syndrome. Identifiers: Orphanet 140162, MedGen C0027672, MeSH D009386, MONDO:0015356.
Multiple endocrine neoplasia, type 1 (MEN1). Also called: MEA I; MEN I; WERMER SYNDROME; Endocrine adenomatosis multiple; MEN 1. Identifiers: Orphanet 652, MedGen C0025267, MeSH D018761, MONDO:0007540, OMIM 131100.

gnomAD v4.1: 2 of 1,611,472 alleles (0.00012%); highest among the groups gnomAD compares: Non-Finnish European, 0.00017%; no homozygotes.

Submissions (2):

Labcorp Genetics (formerly Invitae), Labcorp
Classification: Uncertain significance for Multiple endocrine neoplasia, type 1. Last evaluated: 2026-01-10. Review status: criteria provided, single submitter. Criteria: Invitae Variant Classification Sherloc (09022015). Collection method: clinical testing. Allele origin: germline.
Comment: This sequence change replaces alanine, which is neutral and non-polar, with threonine, which is neutral and polar, at codon 95 of the MEN1 protein (p.Ala95Thr). This variant is not present in population databases (gnomAD no frequency). This variant has not been reported in the literature in individuals affected with MEN1-related conditions. ClinVar contains an entry for this variant (Variation ID: 1796700). Invitae Evidence Modeling of protein sequence and biophysical properties (such as structural, functional, and spatial information, amino acid conservation, physicochemical variation, residue mobility, and thermodynamic stability) indicates that this missense variant is not expected to disrupt MEN1 protein function with a negative predictive value of 80%. In summary, the available evidence is currently insufficient to determine the role of this variant in disease. Therefore, it has been classified as a Variant of Uncertain Significance.

Ambry Genetics
Classification: Uncertain significance for Hereditary cancer-predisposing syndrome. Last evaluated: 2021-11-22. Review status: criteria provided, single submitter. Criteria: Ambry Variant Classification Scheme 2023. Collection method: clinical testing. Allele origin: germline.
Comment: The p.A95T variant (also known as c.283G>A), located in coding exon 1 of the MEN1 gene, results from a G to A substitution at nucleotide position 283. The alanine at codon 95 is replaced by threonine, an amino acid with similar properties. This amino acid position is highly conserved in available vertebrate species. In addition, this alteration is predicted to be deleterious by in silico analysis. Since supporting evidence is limited at this time, the clinical significance of this alteration remains unclear.

Literature cited by the submitters: PubMed 33471991 (cited by Ambry Genetics).